The following is an entry in ClinVar:

NM_005032.7(PLS3):c.583-3C>A

Gene: PLS3 (plastin 3; plus strand). Cytogenetic location: Xq23.
Variant type: single nucleotide variant.
Coding change: c.583-3C>A on transcript NM_005032.7 (MANE Select); 3 bases into the intron before coding-DNA position 583, C replaced by A.
Molecular consequence: intron variant.
Genome position (GRCh38, 1-based): chrX:115,634,878, C>A. VCF-style: chrX-115634878-C-A. GRCh37 (hg19) VCF-style: chrX-114869190-C-A.
Other names: c.517-3C>A (NM_001282337.2); c.448-3C>A (NM_001282338.2); c.583-3C>A (NM_001136025.5); c.502-3C>A (NM_001172335.3).
Identifiers: ClinVar variation 1362528 (VCV001362528.8), dbSNP rs2147551714, ClinGen allele CA2573159199.
Genomic context (GRCh38, chrX:115,634,878, plus strand): 5'-GAAAGTAGACTGCTAAAAAATGGAAAGGTCAAGAAGCAAGTGTGTAATTTGGCTGTCTTG[C>A]AGGAAAACTTGAACTTGGCACTGAACTCTGCTTCTGCCATTGGGTGTCATGTTGTGAACA-3'

ClinVar aggregate classification (germline): Conflicting classifications of pathogenicity. Review status: criteria provided, conflicting classifications (1 of 4 stars). 3 submissions from 3 submitters: Likely pathogenic (1); Uncertain significance (1). 1 of the submissions does not count toward it. Last evaluated 2022-06-22.

Conditions:
Bone mineral density quantitative trait locus 18 (BMND18). Also called: OSTEOPOROSIS AND OSTEOPOROTIC FRACTURES, SUSCEPTIBILITY TO; Bone mineral density QTL18, osteoporosis. Identifiers: Orphanet 391330, MedGen C3806712, OMIM 300910.

gnomAD v4.1: 1 of 1,201,464 alleles (0.000083%); highest among the groups gnomAD compares: Admixed American, 0.0022%; no homozygotes.

Submissions (3):

Baylor Genetics
Classification: Likely pathogenic for Bone mineral density quantitative trait locus 18. Last evaluated: 2022-06-22. Review status: criteria provided, single submitter. Criteria: ACMG Guidelines, 2015. Collection method: clinical testing. Allele origin: unknown.

Labcorp Genetics (formerly Invitae), Labcorp
Classification: Uncertain significance. Last evaluated: 2021-06-19. Review status: criteria provided, single submitter. Criteria: Invitae Variant Classification Sherloc (09022015). Collection method: clinical testing. Allele origin: germline.
Comment: In summary, the available evidence is currently insufficient to determine the role of this variant in disease. Therefore, it has been classified as a Variant of Uncertain Significance. Nucleotide substitutions within the consensus splice site are a relatively common cause of aberrant splicing (PMID: 17576681, 9536098). Algorithms developed to predict the effect of sequence changes on RNA splicing suggest that this variant may disrupt the consensus splice site, but this prediction has not been confirmed by published transcriptional studies. This variant has not been reported in the literature in individuals with PLS3-related conditions. This variant is not present in population databases (ExAC no frequency). This sequence change falls in intron 6 of the PLS3 gene. It does not directly change the encoded amino acid sequence of the PLS3 protein. It affects a nucleotide within the consensus splice site of the intron.

Undiagnosed Diseases Network, NIH
Classification: Likely pathogenic for Bone mineral density quantitative trait locus 18. Last evaluated: 2022-07-29. Review status: no assertion criteria provided. Collection method: clinical testing. Allele origin: de novo. Affected: yes. Observed: 1 variant allele, 1 hemizygote. Study: Undiagnosed Diseases Network (NIH), UDN. Not counted in ClinVar's aggregate classification.

Literature cited by the submitters: PubMed 17576681 (cited by Labcorp Genetics (formerly Invitae), Labcorp); PubMed 9536098 (cited by Labcorp Genetics (formerly Invitae), Labcorp).